The following is an entry in ClinVar:

ClinVar aggregate classification (germline): Uncertain significance. Review status: criteria provided, multiple submitters, no conflicts (2 of 4 stars). 2 submissions from 2 submitters: Uncertain significance (2). Last evaluated 2024-10-30.

Conditions:
Thyroid dyshormonogenesis 6 (TDH6). Also called: HYPOTHYROIDISM, CONGENITAL, DUE TO DYSHORMONOGENESIS, 6; THYROID HORMONOGENESIS, GENETIC DEFECT IN, 6; Genetic transient congenital hypothyroidism. Identifiers: Orphanet 226316, Orphanet 95716, MedGen C1846632, MONDO:0011792, OMIM 607200.

Allele frequency attached by ClinVar (database versions not stated): ExAC 0.00001; gnomAD exomes 0.00001.
gnomAD v4.1: 7 of 1,614,128 alleles (0.00043%); highest among the groups gnomAD compares: Middle Eastern, 0.12%; no homozygotes.

Submissions (2):

Labcorp Genetics (formerly Invitae), Labcorp
Classification: Uncertain significance. Last evaluated: 2024-10-30. Review status: criteria provided, single submitter. Criteria: Invitae Variant Classification Sherloc (09022015). Collection method: clinical testing. Allele origin: germline.
Comment: This sequence change falls in intron 18 of the DUOX2 gene. It does not directly change the encoded amino acid sequence of the DUOX2 protein. It affects a nucleotide within the consensus splice site. This variant is present in population databases (rs756624208, gnomAD 0.0009%). This variant has not been reported in the literature in individuals affected with DUOX2-related conditions. ClinVar contains an entry for this variant (Variation ID: 887009). Variants that disrupt the consensus splice site are a relatively common cause of aberrant splicing (PMID: 17576681, 9536098). Algorithms developed to predict the effect of sequence changes on RNA splicing suggest that this variant is not likely to affect RNA splicing. In summary, the available evidence is currently insufficient to determine the role of this variant in disease. Therefore, it has been classified as a Variant of Uncertain Significance.

Illumina Laboratory Services, Illumina
Classification: Uncertain significance for Thyroid dyshormonogenesis 6. Last evaluated: 2018-01-13. Review status: criteria provided, single submitter. Criteria: ICSL Variant Classification Criteria 13 December 2019. Collection method: clinical testing. Allele origin: germline.

Literature cited by the submitters: PubMed 17576681 (cited by Labcorp Genetics (formerly Invitae), Labcorp); PubMed 9536098 (cited by Labcorp Genetics (formerly Invitae), Labcorp).

NM_001363711.2(DUOX2):c.2334+4C>A

Gene: DUOX2 (dual oxidase 2; minus strand). Cytogenetic location: 15q21.1.
Variant type: single nucleotide variant.
Coding change: c.2334+4C>A on transcript NM_001363711.2 (MANE Select); 4 bases into the intron after coding-DNA position 2334, C replaced by A.
Molecular consequence: intron variant.
Genome position (GRCh38, 1-based): chr15:45,105,639, G>T on the plus strand (C>A on the coding strand, the complement: DUOX2 is on the minus strand). VCF-style: chr15-45105639-G-T. GRCh37 (hg19) VCF-style: chr15-45397837-G-T.
Other names: c.2334+4C>A (NM_014080.5).
Identifiers: ClinVar variation 887009 (VCV000887009.6), dbSNP rs756624208, ClinGen allele CA7538301.